The following is an entry in ClinVar:

ClinVar aggregate classification (germline): Uncertain significance (1 of 4 stars; one submission).

Submission:

Women's Health and Genetics/Laboratory Corporation of America, LabCorp
Classification: Uncertain significance. Last evaluated: 2026-04-01. Review status: criteria provided, single submitter. Criteria: LabCorp Variant Classification Summary - May 2015. Collection method: clinical testing. Allele origin: germline.
Comment: Variant summary: TNXB c.9850C>A (p.Gln3284Lys) results in a conservative amino acid change in the encoded protein sequence. Algorithms developed to predict the effect of missense changes on protein structure and function all suggest that this variant is likely to be tolerated. The variant allele was found at a frequency of 1.3e-05 in 236822 control chromosomes. The available data on variant occurrences in the general population are insufficient to allow any conclusion about variant significance. To our knowledge, no occurrence of c.9850C>A in individuals affected with TNXB-related conditions and no experimental evidence demonstrating its impact on protein function have been reported. No submitters have cited clinical-significance assessments for this variant to ClinVar. Based on the evidence outlined above, the variant was classified as uncertain significance.

NM_001365276.2(TNXB):c.9856C>A (p.Gln3286Lys)

Gene: TNXB (tenascin XB; minus strand). Cytogenetic location: 6p21.33.
Variant type: single nucleotide variant.
Coding change: c.9856C>A on transcript NM_001365276.2 (MANE Select); coding-DNA position 9856, C replaced by A.
Protein change: p.Gln3286Lys; replaces glutamine 3286 with lysine.
Molecular consequence: missense variant.
Genome position (GRCh38, 1-based): chr6:32,048,552, G>T on the plus strand (C>A on the coding strand, the complement: TNXB is on the minus strand). VCF-style: chr6-32048552-G-T. GRCh37 (hg19) VCF-style: chr6-32016329-G-T.
Other names: c.10597C>A, p.Gln3533Lys (NM_001428335.1); c.9850C>A, p.Gln3284Lys (NM_019105.8); short protein forms Q3284K, Q3286K, Q3533K.
Identifiers: ClinVar variation 4848974 (VCV004848974.1).